The following is an entry in ClinVar:

NM_001151.4(SLC25A4):c.456dup (p.Glu153Ter)

Gene: SLC25A4 (solute carrier family 25 member 4; plus strand). Cytogenetic location: 4q35.1.
Variant type: Duplication.
Coding change: c.456dup on transcript NM_001151.4 (MANE Select); coding-DNA position 456, one base duplicated (T; older notation c.456dupT).
Protein change: p.Glu153Ter; replaces glutamic acid 153 with a stop codon.
Molecular consequence: nonsense.
Genome position (GRCh38, 1-based): chr4:185,145,108, T duplicated. VCF-style (leftmost placement, unchanged base first): chr4-185145107-G-GT. GRCh37 (hg19) VCF-style: chr4-186066261-G-GT.
Other names: short protein forms E153*.
Identifiers: ClinVar variation 5006758 (VCV005006758.2).

ClinVar aggregate classification (germline): Likely pathogenic (1 of 4 stars; one submission).

Conditions:
Mitochondrial DNA depletion syndrome 12A (cardiomyopathic type), autosomal dominant. Also called: Mitochondrial DNA depletion syndrome 12A (cardiomyopathic type) AD. Identifiers: MedGen C4310676, MONDO:0014959, OMIM 617184.
Mitochondrial DNA depletion syndrome 12B (cardiomyopathic type), autosomal recessive. Also called: Mitochondrial DNA depletion syndrome 12B (cardiomyopathic type) AR. Identifiers: Orphanet 1369, MedGen C3809443, MONDO:0014175, OMIM 615418.
Progressive external ophthalmoplegia with mitochondrial DNA deletions, autosomal dominant 2. Also called: PROGRESSIVE EXTERNAL OPHTHALMOPLEGIA, AUTOSOMAL DOMINANT 2. Identifiers: MedGen C1836460, MONDO:0012238, OMIM 609283.

Submission:

Juno Genomics, Hangzhou Juno Genomics, Inc
Classification: Likely pathogenic for Mitochondrial DNA depletion syndrome 12A (cardiomyopathic type), autosomal dominant; Mitochondrial DNA depletion syndrome 12B (cardiomyopathic type), autosomal recessive; Progressive external ophthalmoplegia with mitochondrial DNA deletions, autosomal dominant 2. Review status: criteria provided, single submitter. Criteria: ACMG Guidelines, 2015. Collection method: clinical testing. Allele origin: germline.
Comment: Null variant in a gene where loss of function (LOF) is a known mechanism of disease.;Absent from controls (or at extremely low frequency if recessive) in Genome Aggregation Database.